The following is an entry in ClinVar:

NM_001032386.2(SUOX):c.621C>G (p.Tyr207Ter)

Gene: SUOX (sulfite oxidase; plus strand). Cytogenetic location: 12q13.2.
Variant type: single nucleotide variant.
Coding change: c.621C>G on transcript NM_001032386.2 (MANE Select); coding-DNA position 621, C replaced by G.
Protein change: p.Tyr207Ter; replaces tyrosine 207 with a stop codon.
Molecular consequence: nonsense.
Genome position (GRCh38, 1-based): chr12:56,004,010, C>G. VCF-style: chr12-56004010-C-G. GRCh37 (hg19) VCF-style: chr12-56397794-C-G.
Other names: c.621C>G, p.Tyr207Ter (NM_000456.3, NM_001032387.2); short protein forms Y207*.
Identifiers: ClinVar variation 1071284 (VCV001071284.10), dbSNP rs144469629, ClinGen allele CA385285548.

ClinVar aggregate classification (germline): Pathogenic (1 of 4 stars; one submission).

Conditions:
Sulfite oxidase deficiency. Also called: Isolated sulfite oxidase deficiency. Identifiers: Orphanet 833, Orphanet 99731, MedGen C0268624, MONDO:0010089, OMIM 272300, HP:0003643.

Submission:

Labcorp Genetics (formerly Invitae), Labcorp
Classification: Pathogenic for Sulfite oxidase deficiency. Last evaluated: 2024-02-12. Review status: criteria provided, single submitter. Criteria: Invitae Variant Classification Sherloc (09022015). Collection method: clinical testing. Allele origin: germline.
Comment: This sequence change creates a premature translational stop signal (p.Tyr207*) in the SUOX gene. While this is not anticipated to result in nonsense mediated decay, it is expected to disrupt the last 339 amino acid(s) of the SUOX protein. This variant is present in population databases (no rsID available, gnomAD 0.0009%). This variant has not been reported in the literature in individuals affected with SUOX-related conditions. ClinVar contains an entry for this variant (Variation ID: 1071284). This variant disrupts a region of the SUOX protein in which other variant(s) (p.Val438Aspfs*5) have been determined to be pathogenic (PMID: 16140720; Invitae). This suggests that this is a clinically significant region of the protein, and that variants that disrupt it are likely to be disease-causing. For these reasons, this variant has been classified as Pathogenic.

Literature cited by the submitters: PubMed 16140720.